The following is an entry in ClinVar:

ClinVar aggregate classification (germline): Uncertain significance. Review status: criteria provided, multiple submitters, no conflicts (2 of 4 stars). 2 submissions from 2 submitters: Uncertain significance (2). Last evaluated 2025-08-14.

Conditions:
Inborn genetic diseases. Identifiers: MedGen C0950123, MeSH D030342.

Allele frequency attached by ClinVar (database versions not stated): gnomAD 0.00001 and 0.00003; TOPMed 0.00002; gnomAD exomes 0.00003; ExAC 0.00004.
gnomAD v4.1: 44 of 1,612,724 alleles (0.0027%); highest among the groups gnomAD compares: South Asian, 0.013%; no homozygotes.

Submissions (2):

Ambry Genetics
Classification: Uncertain significance for Inborn genetic diseases. Last evaluated: 2025-08-14. Review status: criteria provided, single submitter. Criteria: Ambry Variant Classification Scheme 2023. Collection method: clinical testing. Allele origin: germline.

GeneDx
Classification: Uncertain significance. Last evaluated: 2021-03-25. Review status: criteria provided, single submitter. Criteria: GeneDx Variant Classification Process June 2021. Collection method: clinical testing. Allele origin: germline. Affected: yes.
Comment: Not observed at a significant frequency in large population cohorts (Lek et al., 2016); In silico analysis supports that this missense variant has a deleterious effect on protein structure/function; Has not been previously published as pathogenic or benign to our knowledge

NM_006907.4(PYCR1):c.287C>T (p.Ala96Val)

Gene: PYCR1 (pyrroline-5-carboxylate reductase 1; minus strand). Cytogenetic location: 17q25.3.
Variant type: single nucleotide variant.
Coding change: c.287C>T on transcript NM_006907.4 (MANE Select); coding-DNA position 287, C replaced by T.
Protein change: p.Ala96Val; replaces alanine 96 with valine.
Molecular consequence: missense variant.
Genome position (GRCh38, 1-based): chr17:81,935,368, G>A on the plus strand (C>T on the coding strand, the complement: PYCR1 is on the minus strand). VCF-style: chr17-81935368-G-A. GRCh37 (hg19) VCF-style: chr17-79893244-G-A.
Other names: c.368C>T, p.Ala123Val (NM_001282281.2); c.287C>T, p.Ala96Val (NM_001330523.2, NM_153824.3, NM_001282279.2 and 1 more transcripts); short protein forms A123V, A96V.
Identifiers: ClinVar variation 1314250 (VCV001314250.3), dbSNP rs776607138, ClinGen allele CA8845506.